The following is an entry in ClinVar:

ClinVar aggregate classification (germline): Uncertain significance (1 of 4 stars; one submission).

Conditions:
Progressive sclerosing poliodystrophy (MTDPS4A). Also called: Mitochondrial DNA Depletion Syndrome 4A; ALPERS PROGRESSIVE INFANTILE POLIODYSTROPHY; NEURONAL DEGENERATION OF CHILDHOOD WITH LIVER DISEASE, PROGRESSIVE; Mitochondrial DNA depletion syndrome 4A (Alpers type); Alpers Syndrome; ALPERS DIFFUSE DEGENERATION OF CEREBRAL GRAY MATTER WITH HEPATIC CIRRHOSIS. Identifiers: Orphanet 726, MedGen C0205710, MONDO:0008758, OMIM 203700.

Submission:

Labcorp Genetics (formerly Invitae), Labcorp
Classification: Uncertain significance for Progressive sclerosing poliodystrophy. Last evaluated: 2023-12-14. Review status: criteria provided, single submitter. Criteria: Invitae Variant Classification Sherloc (09022015). Collection method: clinical testing. Allele origin: germline.
Comment: This variant, c.119_142dup, results in the insertion of 8 amino acid(s) of the POLG protein (p.Arg40_Gln47dup), but otherwise preserves the integrity of the reading frame. This variant is not present in population databases (gnomAD no frequency). This variant has not been reported in the literature in individuals affected with POLG-related conditions. In summary, the available evidence is currently insufficient to determine the role of this variant in disease. Therefore, it has been classified as a Variant of Uncertain Significance.

NM_002693.3(POLG):c.119_142dup (p.Gln47_Gln48insArgArgArgGlnGlnGlnGlnGln)

Genes: POLG (DNA polymerase gamma, catalytic subunit; minus strand), POLGARF (POLG alternative reading frame; minus strand). Cytogenetic location: 15q26.1.
Variant type: Duplication.
Coding change: c.119_142dup on transcript NM_002693.3 (MANE Select); coding-DNA positions 119 to 142, 24 bases duplicated (GGCGGCGGCAGCAGCAGCAGCAGC).
Protein change: p.Gln47_Gln48insArgArgArgGlnGlnGlnGlnGln.
Molecular consequence: inframe insertion.
Genome position (GRCh38, 1-based): chr15:89,333,613-89,333,636, GCTGCTGCTGCTGCTGCCGCCGCC duplicated on the plus strand (GGCGGCGGCAGCAGCAGCAGCAGC on the coding strand, the reverse complement: POLG is on the minus strand); duplicating any 24 consecutive bases within chr15:89,333,613-89,333,641 gives the same sequence; the c. name uses the placement nearest the transcript's 3' end. VCF-style (leftmost placement, unchanged base first): chr15-89333612-T-TGCTGCTGCTGCTGCTGCCGCCGCC. GRCh37 (hg19) VCF-style: chr15-89876843-T-TGCTGCTGCTGCTGCTGCCGCCGCC.
Other names: c.119_142dup, p.Gln47_Gln48insArgArgArgGlnGlnGlnGlnGln (NM_001126131.2).
Identifiers: ClinVar variation 2970694 (VCV002970694.3), dbSNP rs2055627880, ClinGen allele CA2740096761.